The following is an entry in ClinVar:

NM_001385641.1(SAMD11):c.2416A>G (p.Thr806Ala)

Gene: SAMD11 (sterile alpha motif domain containing 11; plus strand). Cytogenetic location: 1p36.33.
Variant type: single nucleotide variant.
Coding change: c.2416A>G on transcript NM_001385641.1 (MANE Select); coding-DNA position 2416, A replaced by G.
Protein change: p.Thr806Ala; replaces threonine 806 with alanine.
Molecular consequence: missense variant.
Genome position (GRCh38, 1-based): chr1:944,034, A>G. VCF-style: chr1-944034-A-G. GRCh37 (hg19) VCF-style: chr1-879414-A-G.
Other names: c.2419A>G, p.Thr807Ala (NM_001385640.1); c.1927A>G, p.Thr643Ala (NM_152486.4); short protein forms T806A, T807A, T643A.
Identifiers: ClinVar variation 1364853 (VCV001364853.8), dbSNP rs2100368451, ClinGen allele CA337818875.

ClinVar aggregate classification (germline): Uncertain significance (1 of 4 stars; one submission).

Submission:

Labcorp Genetics (formerly Invitae), Labcorp
Classification: Uncertain significance. Last evaluated: 2022-07-19. Review status: criteria provided, single submitter. Criteria: Invitae Variant Classification Sherloc (09022015). Collection method: clinical testing. Allele origin: germline.
Comment: In summary, the available evidence is currently insufficient to determine the role of this variant in disease. Therefore, it has been classified as a Variant of Uncertain Significance. Algorithms developed to predict the effect of missense changes on protein structure and function output the following: SIFT: "Tolerated"; PolyPhen-2: "Benign"; Align-GVGD: "Class C0". The alanine amino acid residue is found in multiple mammalian species, which suggests that this missense change does not adversely affect protein function. ClinVar contains an entry for this variant (Variation ID: 1364853). This variant has not been reported in the literature in individuals affected with SAMD11-related conditions. This variant is not present in population databases (gnomAD no frequency). This sequence change replaces threonine, which is neutral and polar, with alanine, which is neutral and non-polar, at codon 643 of the SAMD11 protein (p.Thr643Ala).